The following is an entry in ClinVar:

ClinVar aggregate classification (germline): Likely benign (1 of 4 stars; one submission).

Allele frequency attached by ClinVar (database versions not stated): TOPMed 0.00005; gnomAD 0.00006; ESP Exome Variant Server 0.00008.
gnomAD v4.1: 143 of 1,612,196 alleles (0.0089%); highest among the groups gnomAD compares: Non-Finnish European, 0.0076%; no homozygotes.

Submission:

CeGaT Center for Human Genetics Tuebingen
Classification: Likely benign. Last evaluated: 2023-06-01. Review status: criteria provided, single submitter. Criteria: CeGaT Center For Human Genetics Tuebingen Variant Classification Criteria Version 2. Collection method: clinical testing. Allele origin: germline. Affected: yes. Observed: 1 variant allele.
Comment: JAG2: BP4, BP7

NM_002226.5(JAG2):c.2388G>T (p.Leu796=)

Gene: JAG2 (jagged canonical Notch ligand 2; minus strand). Cytogenetic location: 14q32.33.
Variant type: single nucleotide variant.
Coding change: c.2388G>T on transcript NM_002226.5 (MANE Select); coding-DNA position 2388, G replaced by T.
Protein change: p.Leu796=; no amino-acid change (leucine 796 retained).
Molecular consequence: synonymous variant.
Genome position (GRCh38, 1-based): chr14:105,147,505, C>A on the plus strand (G>T on the coding strand, the complement: JAG2 is on the minus strand). VCF-style: chr14-105147505-C-A. GRCh37 (hg19) VCF-style: chr14-105613842-C-A.
Other names: c.2274G>T, p.Leu758= (NM_145159.3).
Identifiers: ClinVar variation 2644901 (VCV002644901.24), dbSNP rs147568092, ClinGen allele CA7385626.
Genomic context (GRCh38, chr14:105,147,505, plus strand): 5'-CCGTGGTATGCCAAGTCCCACCCACCCCTGCTGTGGCCCCCAGGGTGCCACTCACCAAGG[C>A]AGAGGGTTGCAGTCGTTGGTATCTGGTTTGGGAGAAGAGAACGCAGGGGATCAGTACCCA-3'
Protein context (NP_002217.3, residues 786-806): CTHNTNDCNP[Leu796=]PCYNGGICVD